The following is an entry in ClinVar:

ClinVar aggregate classification (germline): Uncertain significance (1 of 4 stars; one submission).

Conditions:
Brown-Vialetto-van Laere syndrome 1. Also called: BROWN-VIALETTO-VAN LAERE SYNDROME 1, MILD; BULBAR PALSY, PROGRESSIVE, WITH SENSORINEURAL DEAFNESS; PONTOBULBAR PALSY WITH DEAFNESS. Identifiers: Orphanet 572550, Orphanet 97229, MedGen C0796274, MONDO:0024537, OMIM 211530.

Submission:

Labcorp Genetics (formerly Invitae), Labcorp
Classification: Uncertain significance for Brown-Vialetto-van Laere syndrome 1. Last evaluated: 2022-08-20. Review status: criteria provided, single submitter. Criteria: Invitae Variant Classification Sherloc (09022015). Collection method: clinical testing. Allele origin: germline.
Comment: In summary, the available evidence is currently insufficient to determine the role of this variant in disease. Therefore, it has been classified as a Variant of Uncertain Significance. Algorithms developed to predict the effect of missense changes on protein structure and function output the following: SIFT: "Tolerated"; PolyPhen-2: "Benign"; Align-GVGD: "Class C0". The glutamic acid amino acid residue is found in multiple mammalian species, which suggests that this missense change does not adversely affect protein function. This variant has not been reported in the literature in individuals affected with SLC52A3-related conditions. This variant is not present in population databases (gnomAD no frequency). This sequence change replaces aspartic acid, which is acidic and polar, with glutamic acid, which is acidic and polar, at codon 280 of the SLC52A3 protein (p.Asp280Glu).

NM_033409.4(SLC52A3):c.840C>A (p.Asp280Glu)

Gene: SLC52A3 (solute carrier family 52 member 3; minus strand). Cytogenetic location: 20p13.
Variant type: single nucleotide variant.
Coding change: c.840C>A on transcript NM_033409.4 (MANE Select); coding-DNA position 840, C replaced by A.
Protein change: p.Asp280Glu; replaces aspartic acid 280 with glutamic acid.
Molecular consequence: missense variant.
Genome position (GRCh38, 1-based): chr20:763,731, G>T on the plus strand (C>A on the coding strand, the complement: SLC52A3 is on the minus strand). VCF-style: chr20-763731-G-T. GRCh37 (hg19) VCF-style: chr20-744375-G-T.
Other names: c.840C>A, p.Asp280Glu (NM_001370085.1, NM_001370086.1); short protein forms D280E.
Identifiers: ClinVar variation 2092270 (VCV002092270.4), dbSNP rs2514848715, ClinGen allele CA407962994.